The following is an entry in ClinVar:

ClinVar aggregate classification (germline): Likely benign. Review status: criteria provided, multiple submitters, no conflicts (2 of 4 stars). 2 submissions from 2 submitters: Likely benign (2). Last evaluated 2025-03-29.

Conditions:
PCNT-related disorder. Also called: PCNT-related condition.

Allele frequency attached by ClinVar (database versions not stated): gnomAD exomes below 0.00001; gnomAD 0.00002; TOPMed 0.00002.
gnomAD v4.1: 4 of 1,614,012 alleles (0.00025%); highest among the groups gnomAD compares: African/African-American, 0.0053%; no homozygotes.

Submissions (2):

PreventionGenetics, part of Exact Sciences
Classification: Likely benign for PCNT-related condition. Last evaluated: 2025-03-29. Review status: criteria provided, single submitter. Criteria: ACMG Guidelines, 2015. Collection method: clinical testing. Allele origin: germline.
Comment: This variant is classified as likely benign based on ACMG/AMP sequence variant interpretation guidelines (Richards et al. 2015 PMID: 25741868, with internal and published modifications).

Labcorp Genetics (formerly Invitae), Labcorp
Classification: Likely benign. Last evaluated: 2024-01-31. Review status: criteria provided, single submitter. Criteria: Invitae Variant Classification Sherloc (09022015). Collection method: clinical testing. Allele origin: germline.

NM_006031.6(PCNT):c.642G>A (p.Glu214=)

Gene: PCNT (pericentrin; plus strand). Cytogenetic location: 21q22.3.
Variant type: single nucleotide variant.
Coding change: c.642G>A on transcript NM_006031.6 (MANE Select); coding-DNA position 642, G replaced by A.
Protein change: p.Glu214=; no amino-acid change (glutamic acid 214 retained).
Molecular consequence: synonymous variant.
Genome position (GRCh38, 1-based): chr21:46,346,130, G>A. VCF-style: chr21-46346130-G-A. GRCh37 (hg19) VCF-style: chr21-47766044-G-A.
Other names: c.288G>A, p.Glu96= (NM_001315529.2); c.642G>A (NM_006031.5).
Identifiers: ClinVar variation 2880519 (VCV002880519.4), dbSNP rs1483779736, ClinGen allele CA512729048.